The following is an entry in ClinVar:

ClinVar aggregate classification (germline): Likely benign (1 of 4 stars; one submission).

gnomAD v4.1: 3 of 1,546,144 alleles (0.00019%); highest among the groups gnomAD compares: Non-Finnish European, 0.00026%; no homozygotes.

Submission:

GeneDx
Classification: Likely benign. Last evaluated: 2016-02-03. Review status: criteria provided, single submitter. Criteria: GeneDx Variant Classification (06012015). Collection method: clinical testing. Allele origin: germline. Affected: yes.
Comment: This variant is considered likely benign or benign based on one or more of the following criteria: it is a conservative change, it occurs at a poorly conserved position in the protein, it is predicted to be benign by multiple in silico algorithms, and/or has population frequency not consistent with disease.

NM_130837.3(OPA1):c.-11C>G

Gene: OPA1 (OPA1 mitochondrial dynamin like GTPase; plus strand). Cytogenetic location: 3q29.
Variant type: single nucleotide variant.
Coding change: c.-11C>G on transcript NM_130837.3 (MANE Select); 11 bases upstream of the start codon, C replaced by G.
Molecular consequence: 5 prime UTR variant.
Genome position (GRCh38, 1-based): chr3:193,593,367, C>G. VCF-style: chr3-193593367-C-G. GRCh37 (hg19) VCF-style: chr3-193311156-C-G.
Other names: c.-441C>G (NM_001354663.2, NM_001354664.2); c.-11C>G (NM_015560.3, NM_130831.3, NM_130832.3 and 4 more transcripts).
Identifiers: ClinVar variation 382595 (VCV000382595.1), dbSNP rs568049951, ClinGen allele CA16604850.